The following is an entry in ClinVar:

NM_000222.3(KIT):c.866T>C (p.Met289Thr)

Gene: KIT (KIT proto-oncogene, receptor tyrosine kinase; plus strand). Cytogenetic location: 4q12.
Variant type: single nucleotide variant.
Coding change: c.866T>C on transcript NM_000222.3 (MANE Select); coding-DNA position 866, T replaced by C.
Protein change: p.Met289Thr; replaces methionine 289 with threonine.
Molecular consequence: missense variant.
Genome position (GRCh38, 1-based): chr4:54,703,833, T>C. VCF-style: chr4-54703833-T-C. GRCh37 (hg19) VCF-style: chr4-55569999-T-C.
Other names: c.866T>C, p.Met289Thr (NM_001093772.2, NM_001385285.1, NM_001385286.1); c.869T>C, p.Met290Thr (NM_001385284.1, NM_001385288.1, NM_001385290.1 and 1 more transcripts); short protein forms M289T, M290T.
Identifiers: ClinVar variation 528588 (VCV000528588.9), dbSNP rs1363221725, ClinGen allele CA356899965.
Genomic context (GRCh38, chr4:54,703,833, plus strand): 5'-ATGAACGTCAGGCAACGTTGACTATCAGTTCAGCGAGAGTTAATGATTCTGGAGTGTTCA[T>C]GTGTTATGCCAATAATACTTTTGGATCAGCAAATGTCACAACAACCTTGGAAGTAGTAGG-3'
Protein context (NP_000213.1, residues 279-299): SARVNDSGVF[Met289Thr]CYANNTFGSA

ClinVar aggregate classification (germline): Uncertain significance (1 of 4 stars; one submission).

Conditions:
Gastrointestinal stromal tumor. Also called: Gastrointestinal stroma tumor; Gastrointestinal stromal tumor, somatic. Identifiers: Orphanet 44890, MedGen C0238198, MeSH D046152, MONDO:0011719, OMIM 606764, HP:0100723.

Allele frequency attached by ClinVar (database versions not stated): TOPMed 0.00001.

Submission:

Labcorp Genetics (formerly Invitae), Labcorp
Classification: Uncertain significance for Gastrointestinal stromal tumor. Last evaluated: 2022-01-12. Review status: criteria provided, single submitter. Criteria: Invitae Variant Classification Sherloc (09022015). Collection method: clinical testing. Allele origin: germline.
Comment: In summary, the available evidence is currently insufficient to determine the role of this variant in disease. Therefore, it has been classified as a Variant of Uncertain Significance. Algorithms developed to predict the effect of missense changes on protein structure and function output the following: SIFT: "Tolerated"; PolyPhen-2: "Benign"; Align-GVGD: "Class C0". The threonine amino acid residue is found in multiple mammalian species, which suggests that this missense change does not adversely affect protein function. ClinVar contains an entry for this variant (Variation ID: 528588). This variant has not been reported in the literature in individuals affected with KIT-related conditions. This variant is not present in population databases (gnomAD no frequency). This sequence change replaces methionine, which is neutral and non-polar, with threonine, which is neutral and polar, at codon 289 of the KIT protein (p.Met289Thr).